The following is an entry in ClinVar:

NM_020719.3(PRR12):c.3273del (p.Lys1092fs)

Gene: PRR12 (proline rich 12; plus strand). Cytogenetic location: 19q13.33.
Variant type: Deletion.
Coding change: c.3273del on transcript NM_020719.3 (MANE Select); coding-DNA position 3273, one base deleted (C; older notation c.3273delC).
Protein change: p.Lys1092fs; shifts the reading frame from lysine 1092.
Molecular consequence: frameshift variant.
Genome position (GRCh38, 1-based): chr19:49,597,608, C deleted; the last of 5 consecutive C bases (chr19:49,597,604-49,597,608); deleting any one gives the same sequence. VCF-style (leftmost placement, unchanged base first): chr19-49597603-AC-A. GRCh37 (hg19) VCF-style: chr19-50100860-AC-A.
Other names: c.3273delC (NM_020719.3); short protein forms K1092fs.
Identifiers: ClinVar variation 1013592 (VCV001013592.4), dbSNP rs2080782866, ClinGen allele CA2340487183.

ClinVar aggregate classification (germline): Pathogenic. Review status: criteria provided, multiple submitters, no conflicts (2 of 4 stars). 3 submissions from 3 submitters: Pathogenic (2). 1 of the submissions does not count toward it. Last evaluated 2022-11-29.

Conditions:
Neuroocular syndrome 1 (NOC1). Identifiers: Orphanet 659904, MedGen C5925133, MONDO:0971007, OMIM 619539.
Neuroocular syndrome. Identifiers: MedGen C5551362, MONDO:0859193.

Submissions (3):

Laboratory of Medical Genetics, University of Torino
Classification: Pathogenic for Neuroocular syndrome 1. Last evaluated: 2022-11-29. Review status: criteria provided, single submitter. Criteria: ACMG Guidelines, 2015. Collection method: research. Allele origin: germline. Affected: yes. Study: NeuroWES.

GeneDx
Classification: Pathogenic. Last evaluated: 2021-01-06. Review status: criteria provided, single submitter. Criteria: GeneDx Variant Classification (06012015). Collection method: clinical testing. Allele origin: germline. Affected: yes.
Comment: Not observed in large population cohorts (Lek et al., 2016). Frameshift variant predicted to result in protein truncation or nonsense mediated decay in a gene for which loss-of-function is a known mechanism of disease. We interpret c.3273delC as a pathogenic variant.

OMIM
Classification: Pathogenic for NEUROOCULAR SYNDROME 1. Last evaluated: 2024-04-30. Review status: no assertion criteria provided. Collection method: literature only. Allele origin: germline. Not counted in ClinVar's aggregate classification.

Literature cited by the submitters: PubMed 33824499 (cited by OMIM).